The following is an entry in ClinVar:

ClinVar aggregate classification (germline): Likely benign (0 of 4 stars; one submission).

Conditions:
EP400-related disorder. Also called: EP400-related condition.

Allele frequency attached by ClinVar (database versions not stated): ESP Exome Variant Server 0.00015; TOPMed 0.00017; gnomAD 0.00018; ExAC 0.00020; gnomAD exomes 0.00026; 1000 Genomes Project 30x 0.00031; 1000 Genomes Project 0.00040.
gnomAD v4.1: 408 of 1,614,188 alleles (0.025%); highest among the groups gnomAD compares: Middle Eastern, 0.13%; no homozygotes.

Submissions (2):

PreventionGenetics, part of Exact Sciences
Classification: Likely benign for EP400-related condition. Last evaluated: 2023-11-01. Review status: no assertion criteria provided. Collection method: clinical testing. Allele origin: germline.
Comment: This variant is classified as likely benign based on ACMG/AMP sequence variant interpretation guidelines (Richards et al. 2015 PMID: 25741868, with internal and published modifications).

Dr. Peter K. Rogan Lab, Western University
No classification provided (evidence only). Condition: Gastric cancer. Review status: no classification provided. Collection method: in vitro. Allele origin: not applicable. Functional consequence: retained intron. Not counted in ClinVar's aggregate classification.

NM_015409.5(EP400):c.6168G>A (p.Thr2056=)

Gene: EP400 (E1A binding protein p400; plus strand). Cytogenetic location: 12q24.33.
Variant type: single nucleotide variant.
Coding change: c.6168G>A on transcript NM_015409.5 (MANE Select); coding-DNA position 6168, G replaced by A.
Protein change: p.Thr2056=; no amino-acid change (threonine 2056 retained).
Molecular consequence: synonymous variant.
Genome position (GRCh38, 1-based): chr12:132,038,057, G>A. VCF-style: chr12-132038057-G-A. GRCh37 (hg19) VCF-style: chr12-132522602-G-A.
Other names: NC_000012.11:g.132522602G>A.
Identifiers: ClinVar variation 3050484 (VCV003050484.3), dbSNP rs144183598, ClinGen allele CA6886305.